The following is an entry in ClinVar:

ClinVar aggregate classification (germline): Uncertain significance (1 of 4 stars; one submission).

Conditions:
Fanconi anemia (FA). Also called: Fanconi's anemia. Identifiers: Orphanet 84, MedGen C0015625, MeSH D005199, MONDO:0019391.

gnomAD v4.1: 1 of 1,614,222 alleles (0.000062%); highest among the groups gnomAD compares: Non-Finnish European, 0.000085%; no homozygotes.

Submission:

Labcorp Genetics (formerly Invitae), Labcorp
Classification: Uncertain significance for Fanconi anemia. Last evaluated: 2024-04-03. Review status: criteria provided, single submitter. Criteria: Invitae Variant Classification Sherloc (09022015). Collection method: clinical testing. Allele origin: germline.
Comment: This sequence change replaces histidine, which is basic and polar, with arginine, which is basic and polar, at codon 1654 of the SLX4 protein (p.His1654Arg). This variant is present in population databases (no rsID available, gnomAD 0.0009%). This variant has not been reported in the literature in individuals affected with SLX4-related conditions. Algorithms developed to predict the effect of missense changes on protein structure and function output the following: SIFT: "Not Available"; PolyPhen-2: "Benign"; Align-GVGD: "Not Available". The arginine amino acid residue is found in multiple mammalian species, which suggests that this missense change does not adversely affect protein function. In summary, the available evidence is currently insufficient to determine the role of this variant in disease. Therefore, it has been classified as a Variant of Uncertain Significance.

NM_032444.4(SLX4):c.4961A>G (p.His1654Arg)

Gene: SLX4 (SLX4 structure-specific endonuclease subunit; minus strand). Cytogenetic location: 16p13.3.
Variant type: single nucleotide variant.
Coding change: c.4961A>G on transcript NM_032444.4 (MANE Select); coding-DNA position 4961, A replaced by G.
Protein change: p.His1654Arg; replaces histidine 1654 with arginine.
Molecular consequence: missense variant.
Genome position (GRCh38, 1-based): chr16:3,583,289, T>C on the plus strand (A>G on the coding strand, the complement: SLX4 is on the minus strand). VCF-style: chr16-3583289-T-C. GRCh37 (hg19) VCF-style: chr16-3633290-T-C.
Other names: short protein forms H1654R.
Identifiers: ClinVar variation 3626710 (VCV003626710.2).